The following is an entry in ClinVar:

ClinVar aggregate classification (germline): Uncertain significance (1 of 4 stars; one submission).

Conditions:
KMT2C-related disorder. Also called: KMT2C-related condition; KMT2C-related disorders.

Allele frequency attached by ClinVar (database versions not stated): gnomAD exomes below 0.00001.
gnomAD v4.1: 2 of 1,612,590 alleles (0.00012%); highest among the groups gnomAD compares: Non-Finnish European, 0.00017%; no homozygotes.

Submission:

PreventionGenetics, part of Exact Sciences
Classification: Uncertain significance for KMT2C-related condition. Last evaluated: 2022-12-19. Review status: criteria provided, single submitter. Criteria: ACMG Guidelines, 2015. Collection method: clinical testing. Allele origin: germline.
Comment: The KMT2C c.14543A>G variant is predicted to result in the amino acid substitution p.Asn4848Ser. To our knowledge, this variant in the germline status has not been reported in the literature or in a large population database, indicating this variant is rare. At this time, the clinical significance of this variant is uncertain due to the absence of conclusive functional and genetic evidence.

NM_170606.3(KMT2C):c.14543A>G (p.Asn4848Ser)

Gene: KMT2C (lysine methyltransferase 2C; minus strand). Cytogenetic location: 7q36.1.
Variant type: single nucleotide variant.
Coding change: c.14543A>G on transcript NM_170606.3 (MANE Select); coding-DNA position 14543, A replaced by G.
Protein change: p.Asn4848Ser; replaces asparagine 4848 with serine.
Molecular consequence: missense variant.
Genome position (GRCh38, 1-based): chr7:152,138,896, T>C on the plus strand (A>G on the coding strand, the complement: KMT2C is on the minus strand). VCF-style: chr7-152138896-T-C. GRCh37 (hg19) VCF-style: chr7-151835981-T-C.
Other names: short protein forms N4848S.
Identifiers: ClinVar variation 2635223 (VCV002635223.1), dbSNP rs2129089284, ClinGen allele CA370085023.